The following is an entry in ClinVar:

ClinVar aggregate classification (germline): Uncertain significance. Review status: criteria provided, multiple submitters, no conflicts (2 of 4 stars). 2 submissions from 2 submitters: Uncertain significance (2). Last evaluated 2024-04-03.

Conditions:
COACH syndrome 3. Identifiers: MedGen C5436841, MONDO:0030862, OMIM 619113.
Joubert syndrome 7 (JBTS7). Identifiers: Orphanet 220497, MedGen C1969053, MONDO:0012694, OMIM 611560.
Meckel syndrome, type 5 (MKS5). Identifiers: Orphanet 564, MedGen C1969052, MONDO:0012695, OMIM 611561.
Meckel-Gruber syndrome. Also called: DYSENCEPHALIA SPLANCHNOCYSTICA; GRUBER SYNDROME; Dysencephalia splachnocystica. Identifiers: Orphanet 564, MedGen C0265215, MONDO:0018921.
Joubert syndrome. Also called: CEREBELLOPARENCHYMAL DISORDER IV; JOUBERT-BOLTSHAUSER SYNDROME; Familial aplasia of the vermis. Identifiers: Orphanet 475, MedGen C5979921, MONDO:0018772.

Allele frequency attached by ClinVar (database versions not stated): gnomAD 0.00002; gnomAD exomes 0.00002 and 0.00008; TOPMed 0.00003.
gnomAD v4.1: 13 of 654,472 alleles (0.002%); highest among the groups gnomAD compares: East Asian, 0.037%; no homozygotes.

Submissions (2):

Fulgent Genetics
Classification: Uncertain significance for Joubert syndrome 7; Meckel syndrome, type 5; COACH syndrome 3. Last evaluated: 2024-04-03. Review status: criteria provided, single submitter. Criteria: ACMG Guidelines, 2015. Collection method: clinical testing. Allele origin: germline.

Labcorp Genetics (formerly Invitae), Labcorp
Classification: Uncertain significance for Joubert syndrome; Meckel-Gruber syndrome. Last evaluated: 2022-05-31. Review status: criteria provided, single submitter. Criteria: Invitae Variant Classification Sherloc (09022015). Collection method: clinical testing. Allele origin: germline.
Comment: This sequence change replaces isoleucine, which is neutral and non-polar, with asparagine, which is neutral and polar, at codon 1112 of the RPGRIP1L protein (p.Ile1112Asn). This variant is present in population databases (no rsID available, gnomAD 0.09%). This variant has not been reported in the literature in individuals affected with RPGRIP1L-related conditions. ClinVar contains an entry for this variant (Variation ID: 837998). Algorithms developed to predict the effect of missense changes on protein structure and function (SIFT, PolyPhen-2, Align-GVGD) all suggest that this variant is likely to be tolerated. In summary, the available evidence is currently insufficient to determine the role of this variant in disease. Therefore, it has been classified as a Variant of Uncertain Significance.

NM_015272.5(RPGRIP1L):c.3335T>A (p.Ile1112Asn)

Gene: RPGRIP1L (RPGRIP1 like; minus strand). Cytogenetic location: 16q12.2.
Variant type: single nucleotide variant.
Coding change: c.3335T>A on transcript NM_015272.5 (MANE Select); coding-DNA position 3335, T replaced by A.
Protein change: p.Ile1112Asn; replaces isoleucine 1112 with asparagine.
Molecular consequence: missense variant. On other transcripts: intron variant (2).
Genome position (GRCh38, 1-based): chr16:53,622,316, A>T on the plus strand (T>A on the coding strand, the complement: RPGRIP1L is on the minus strand). VCF-style: chr16-53622316-A-T. GRCh37 (hg19) VCF-style: chr16-53656228-A-T.
Other names: c.3233T>A, p.Ile1078Asn (NM_001330538.2); c.3193-3108T>A (NM_001127897.4); c.3295-3108T>A (NM_001308334.3); short protein forms I1078N, I1112N.
Identifiers: ClinVar variation 837998 (VCV000837998.6), dbSNP rs986384855, ClinGen allele CA281358340.